The following is an entry in ClinVar:

ClinVar aggregate classification (germline): Uncertain significance (1 of 4 stars; one submission).

Allele frequency attached by ClinVar (database versions not stated): gnomAD exomes below 0.00001; ExAC 0.00001; gnomAD 0.00001; TOPMed 0.00002.
gnomAD v4.1: 8 of 1,613,966 alleles (0.0005%); highest among the groups gnomAD compares: African/African-American, 0.004%; no homozygotes.

Submission:

Labcorp Genetics (formerly Invitae), Labcorp
Classification: Uncertain significance. Last evaluated: 2022-02-20. Review status: criteria provided, single submitter. Criteria: Invitae Variant Classification Sherloc (09022015). Collection method: clinical testing. Allele origin: germline.
Comment: This sequence change replaces arginine, which is basic and polar, with glutamine, which is neutral and polar, at codon 1990 of the SZT2 protein (p.Arg1990Gln). The frequency data for this variant in the population databases is considered unreliable, as metrics indicate poor data quality at this position in the gnomAD database. This variant has not been reported in the literature in individuals affected with SZT2-related conditions. Algorithms developed to predict the effect of missense changes on protein structure and function (SIFT, PolyPhen-2, Align-GVGD) all suggest that this variant is likely to be disruptive. In summary, the available evidence is currently insufficient to determine the role of this variant in disease. Therefore, it has been classified as a Variant of Uncertain Significance.

NM_001365999.1(SZT2):c.6140G>A (p.Arg2047Gln)

Gene: SZT2 (SZT2 subunit of KICSTOR complex; plus strand). Cytogenetic location: 1p34.2.
Variant type: single nucleotide variant.
Coding change: c.6140G>A on transcript NM_001365999.1 (MANE Select); coding-DNA position 6140, G replaced by A.
Protein change: p.Arg2047Gln; replaces arginine 2047 with glutamine.
Molecular consequence: missense variant.
Genome position (GRCh38, 1-based): chr1:43,437,276, G>A. VCF-style: chr1-43437276-G-A. GRCh37 (hg19) VCF-style: chr1-43902947-G-A.
Other names: c.5969G>A, p.Arg1990Gln (NM_015284.4); short protein forms R2047Q, R1990Q.
Identifiers: ClinVar variation 2146222 (VCV002146222.1), dbSNP rs749183468, ClinGen allele CA809800.